The following is an entry in ClinVar:

ClinVar aggregate classification (germline): Pathogenic. Review status: reviewed by expert panel (3 of 4 stars). 10 submissions from 10 submitters: Pathogenic (1). 9 of the submissions do not count toward it. Last evaluated 2016-04-22.

Conditions:
Hereditary cancer-predisposing syndrome. Also called: Tumor predisposition; Neoplastic Syndromes, Hereditary; Hereditary Cancer Syndrome; Hereditary neoplastic syndrome. Identifiers: Orphanet 140162, MedGen C0027672, MeSH D009386, MONDO:0015356.
Hereditary breast ovarian cancer syndrome. Also called: Hereditary breast and ovarian cancer syndrome (HBOC); Hereditary breast and ovarian cancer syndrome; Hereditary breast and ovarian cancer; Hereditary breast and/or ovarian cancer syndrome; Breast and ovarian cancer; BRCA1- and BRCA2-Associated Hereditary Breast and Ovarian Cancer. Identifiers: Orphanet 145, MedGen C0677776, MeSH D061325, MONDO:0003582. Disease mechanism: loss of function.
Breast-ovarian cancer, familial, susceptibility to, 1 (BROVCA1). Also called: OVARIAN CANCER, SUSCEPTIBILITY TO; BRCA1 Hereditary Breast and Ovarian Cancer. Identifiers: Orphanet 145, MedGen C2676676, MONDO:0011450, OMIM 604370. Disease mechanism: loss of function.

Submissions (10):

Evidence-based Network for the Interpretation of Germline Mutant Alleles (ENIGMA)
Classification: Pathogenic for Breast-ovarian cancer, familial, susceptibility to, 1. Last evaluated: 2016-04-22. Review status: reviewed by expert panel. Criteria: ENIGMA BRCA1/2 Classification Criteria (2015). Collection method: curation. Allele origin: germline.
Comment: Variant allele predicted to encode a truncated non-functional protein.

Labcorp Genetics (formerly Invitae), Labcorp
Classification: Pathogenic for Hereditary breast ovarian cancer syndrome. Last evaluated: 2025-07-30. Review status: criteria provided, single submitter. Criteria: Invitae Variant Classification Sherloc (09022015). Collection method: clinical testing. Allele origin: germline. Not counted in ClinVar's aggregate classification.
Comment: This sequence change creates a premature translational stop signal (p.Leu639*) in the BRCA1 gene. It is expected to result in an absent or disrupted protein product. Loss-of-function variants in BRCA1 are known to be pathogenic (PMID: 20104584). This variant is not present in population databases (gnomAD no frequency). This premature translational stop signal has been observed in individual(s) with a personal and/or family history of breast and/or ovarian cancer (PMID: 7493024, 29446198, 30257646). ClinVar contains an entry for this variant (Variation ID: 54399). For these reasons, this variant has been classified as Pathogenic.

Quest Diagnostics Nichols Institute San Juan Capistrano
Classification: Pathogenic. Last evaluated: 2024-12-03. Review status: criteria provided, single submitter. Criteria: Quest Diagnostics criteria. Collection method: clinical testing. Allele origin: unknown. Not counted in ClinVar's aggregate classification.
Comment: The BRCA1 c.1916T>A (p.Leu639*) variant causes the premature termination of BRCA1 protein synthesis. This variant has been reported in the published literature in individuals with breast cancer (PMID: 35864222 (2022), 33471991 (2021), 30257646 (2018), see also LOVD) and ovarian cancer (PMID: 7493024 (1995)). This variant has not been reported in large, multi-ethnic general populations (Genome Aggregation Database). Based on the available information, this variant is classified as pathogenic.

Baylor Genetics
Classification: Pathogenic for Breast-ovarian cancer, familial, susceptibility to, 1. Last evaluated: 2023-05-23. Review status: criteria provided, single submitter. Criteria: ACMG Guidelines, 2015. Collection method: clinical testing. Allele origin: unknown. Not counted in ClinVar's aggregate classification.

Ambry Genetics
Classification: Pathogenic for Hereditary cancer-predisposing syndrome. Last evaluated: 2023-04-27. Review status: criteria provided, single submitter. Criteria: Ambry Variant Classification Scheme 2023. Collection method: clinical testing. Allele origin: germline. Not counted in ClinVar's aggregate classification.
Comment: The p.L639* pathogenic mutation (also known as c.1916T>A), located in coding exon 9 of the BRCA1 gene, results from a T to A substitution at nucleotide position 1916. This changes the amino acid from a leucine to a stop codon within coding exon 9. This pathogenic variant has been reported in numerous families diagnosed with breast and/or ovarian cancer (Gayther SA et al. Nat. Genet.,1995 Dec;11:428-33; Hoyer J et al. BMC Cancer. 2018 Sep;18:926; Rebbeck TR et al. Hum Mutat. 2018 05;39:593-620). This variant is considered to be rare based on population cohorts in the Genome Aggregation Database (gnomAD). In addition to the clinical data presented in the literature, this alteration is expected to result in loss of function by premature protein truncation or nonsense-mediated mRNA decay. As such, this alteration is interpreted as a disease-causing mutation.

Consortium of Investigators of Modifiers of BRCA1/2 (CIMBA), c/o University of Cambridge
Classification: Pathogenic for Breast-ovarian cancer, familial, susceptibility to, 1. Last evaluated: 2015-10-02. Review status: criteria provided, single submitter. Criteria: CIMBA Mutation Classification guidelines May 2016. Collection method: clinical testing. Allele origin: germline. Not counted in ClinVar's aggregate classification.

GeneDx
Classification: Pathogenic. Last evaluated: 2015-04-20. Review status: criteria provided, single submitter. Criteria: GeneDx Variant Classification (06012015). Collection method: clinical testing. Allele origin: germline. Affected: yes. Not counted in ClinVar's aggregate classification.
Comment: This pathogenic variant is denoted BRCA1 c.1916T>A at the cDNA level and p.Leu639Ter (L639X) at the protein level. The substitution creates a nonsense variant, which changes a Leucine to a premature stop codon (TTG>TAG), and is predicted to cause loss of normal protein function through either protein truncation or nonsense-mediated mRNA decay. This variant, also referred to as 2035T>A using alternate nomenclature, has been reported in Hereditary Breast and Ovarian Cancer families and is considered pathogenic (Gayther 1995).

Research Molecular Genetics Laboratory, Women's College Hospital, University of Toronto
Classification: Pathogenic for Hereditary breast ovarian cancer syndrome. Last evaluated: 2014-01-31. Review status: no assertion criteria provided. Collection method: research. Allele origin: germline. Affected: yes. Study: The Canadian Open Genetics Repository (COGR). Not counted in ClinVar's aggregate classification.

Sharing Clinical Reports Project (SCRP)
Classification: Pathogenic for Breast-ovarian cancer, familial 1. Last evaluated: 2011-05-10. Review status: no assertion criteria provided. Collection method: clinical testing. Allele origin: germline. Not counted in ClinVar's aggregate classification.

Breast Cancer Information Core (BIC) (BRCA1)
Classification: Pathogenic for Breast-ovarian cancer, familial 1. Last evaluated: 2004-02-20. Review status: no assertion criteria provided. Collection method: clinical testing. Allele origin: germline. Affected: yes. Observed: 7 variant alleles. Not counted in ClinVar's aggregate classification.

Literature cited by the submitters: PubMed 20104584 (cited by Labcorp Genetics (formerly Invitae), Labcorp); PubMed 7493024 (cited by 3 submitters); PubMed 29446198 (cited by 3 submitters); PubMed 30257646 (cited by 3 submitters); PubMed 35864222 (cited by Quest Diagnostics Nichols Institute San Juan Capistrano); PubMed 33471991 (cited by Quest Diagnostics Nichols Institute San Juan Capistrano); PubMed 27756336 (cited by Quest Diagnostics Nichols Institute San Juan Capistrano).

NM_007294.4(BRCA1):c.1916T>A (p.Leu639Ter)

Gene: BRCA1 (BRCA1 DNA repair associated; minus strand). Cytogenetic location: 17q21.31.
Variant type: single nucleotide variant.
Coding change: c.1916T>A on transcript NM_007294.4 (MANE Select); coding-DNA position 1916, T replaced by A.
Protein change: p.Leu639Ter; replaces leucine 639 with a stop codon.
Molecular consequence: nonsense. On other transcripts: intron variant (137).
Genome position (GRCh38, 1-based): chr17:43,093,615, A>T on the plus strand (T>A on the coding strand, the complement: BRCA1 is on the minus strand). VCF-style: chr17-43093615-A-T. GRCh37 (hg19) VCF-style: chr17-41245632-A-T.
Other names: p.L639*:TTG>TAG; 2035T>A; c.709+1129T>A (NM_001408409.1, NM_001408414.1, NM_001408411.1 and 2 more transcripts); c.574+1129T>A (NM_001408493.1, NM_001408490.1, NM_001408491.1); c.454+1129T>A (NM_001408502.1); c.577+1129T>A (NM_001408489.1, NM_001408479.1, NM_001408482.1 and 9 more transcripts); c.661+1129T>A (NM_001408445.1, NM_001408432.1, NM_001408450.1 and 6 more transcripts); c.667+2231T>A (NM_001408431.1, NM_001408424.1, NM_001408421.1); and 42 more; short protein forms L639*, L592*, L343*, L471*, L568*, L571*, L612*, L636*.
Identifiers: ClinVar variation 54399 (VCV000054399.23), dbSNP rs80357267, ClinGen allele CA001259.